The following is an entry in ClinVar:

NM_001151.4(SLC25A4):c.73G>A (p.Ala25Thr)

Gene: SLC25A4 (solute carrier family 25 member 4; plus strand). Cytogenetic location: 4q35.1.
Variant type: single nucleotide variant.
Coding change: c.73G>A on transcript NM_001151.4 (MANE Select); coding-DNA position 73, G replaced by A.
Protein change: p.Ala25Thr; replaces alanine 25 with threonine.
Molecular consequence: missense variant.
Genome position (GRCh38, 1-based): chr4:185,143,445, G>A. VCF-style: chr4-185143445-G-A. GRCh37 (hg19) VCF-style: chr4-186064599-G-A.
Other names: c.73G>A (NM_001151.3); short protein forms A25T.
Identifiers: ClinVar variation 1967270 (VCV001967270.7), dbSNP rs560967545, ClinGen allele CA3156412.

ClinVar aggregate classification (germline): Uncertain significance. Review status: criteria provided, multiple submitters, no conflicts (2 of 4 stars). 2 submissions from 2 submitters: Uncertain significance (2). Last evaluated 2025-02-10.

Conditions:
Inborn genetic diseases. Identifiers: MedGen C0950123, MeSH D030342.

Allele frequency attached by ClinVar (database versions not stated): TOPMed 0.00003; ExAC 0.00006; gnomAD 0.00002; 1000 Genomes Project 30x 0.00016; gnomAD exomes below 0.00001; 1000 Genomes Project 0.00020.
gnomAD v4.1: 9 of 1,510,786 alleles (0.0006%); highest among the groups gnomAD compares: East Asian, 0.024%; no homozygotes.

Submissions (2):

Labcorp Genetics (formerly Invitae), Labcorp
Classification: Uncertain significance. Last evaluated: 2025-02-10. Review status: criteria provided, single submitter. Criteria: Invitae Variant Classification Sherloc (09022015). Collection method: clinical testing. Allele origin: germline.
Comment: This sequence change replaces alanine, which is neutral and non-polar, with threonine, which is neutral and polar, at codon 25 of the SLC25A4 protein (p.Ala25Thr). The frequency data for this variant in the population databases is considered unreliable, as metrics indicate poor data quality at this position in the gnomAD database. This variant has not been reported in the literature in individuals affected with SLC25A4-related conditions. ClinVar contains an entry for this variant (Variation ID: 1967270). Invitae Evidence Modeling of protein sequence and biophysical properties (such as structural, functional, and spatial information, amino acid conservation, physicochemical variation, residue mobility, and thermodynamic stability) indicates that this missense variant is not expected to disrupt SLC25A4 protein function with a negative predictive value of 80%. In summary, the available evidence is currently insufficient to determine the role of this variant in disease. Therefore, it has been classified as a Variant of Uncertain Significance.

Ambry Genetics
Classification: Uncertain significance for Inborn genetic diseases. Last evaluated: 2023-09-13. Review status: criteria provided, single submitter. Criteria: Ambry Variant Classification Scheme 2023. Collection method: clinical testing. Allele origin: germline.